The following is an entry in ClinVar:

NM_001114753.3(ENG):c.1094ACG[3] (p.Asp366_Ala367insAsp)

Gene: ENG (endoglin; minus strand). Cytogenetic location: 9q34.11.
Variant type: Microsatellite.
Coding change: c.1094ACG[3] on transcript NM_001114753.3 (MANE Select); three copies in a row of the 3-base unit ACG starting at c.1094; the reference has two copies in a row; one copy, 3 bases duplicated.
Protein change: p.Asp366_Ala367insAsp.
Molecular consequence: inframe insertion.
Genome position (GRCh38, 1-based): chr9:127,824,339-127,824,341, CGT duplicated on the plus strand (ACG on the coding strand, the reverse complement: ENG is on the minus strand); duplicating any 3 consecutive bases within chr9:127,824,339-127,824,346 gives the same sequence; the position shown is the placement nearest the transcript's 3' end. VCF-style (leftmost placement, unchanged base first): chr9-127824338-G-GCGT. GRCh37 (hg19) VCF-style: chr9-130586617-G-GCGT.
Other names: c.1094ACG[3], p.Asp366_Ala367insAsp (NM_000118.4, NM_001406715.1); c.548ACG[3], p.Asp184_Ala185insAsp (NM_001278138.2).
Identifiers: ClinVar variation 4810444 (VCV004810444.1).

ClinVar aggregate classification (germline): Uncertain significance (1 of 4 stars; one submission).

Conditions:
Hereditary hemorrhagic telangiectasia (HHT). Also called: ORW DISEASE; Osler Weber Rendu syndrome; OSLER-RENDU-WEBER DISEASE; Osler hemorrhagic telangiectasia syndrome. Identifiers: Orphanet 774, MedGen C0039445, MONDO:0019180. Disease mechanism: loss of function.

Submission:

Labcorp Genetics (formerly Invitae), Labcorp
Classification: Uncertain significance for Hereditary hemorrhagic telangiectasia. Last evaluated: 2026-01-14. Review status: criteria provided, single submitter. Criteria: Invitae Variant Classification Sherloc (09022015). Collection method: clinical testing. Allele origin: germline.
Comment: This variant, c.1097_1099dup, results in the insertion of 1 amino acid(s) of the ENG protein (p.Asp366dup), but otherwise preserves the integrity of the reading frame. This variant is not present in population databases (gnomAD no frequency). This variant has not been reported in the literature in individuals affected with ENG-related conditions. In summary, the available evidence is currently insufficient to determine the role of this variant in disease. Therefore, it has been classified as a Variant of Uncertain Significance.